The following is an entry in ClinVar:

NM_000059.4(BRCA2):c.1219C>T (p.Gln407Ter)

Gene: BRCA2 (BRCA2 DNA repair associated; plus strand). Cytogenetic location: 13q13.1.
Variant type: single nucleotide variant.
Coding change: c.1219C>T on transcript NM_000059.4 (MANE Select); coding-DNA position 1219, C replaced by T.
Protein change: p.Gln407Ter; replaces glutamine 407 with a stop codon.
Molecular consequence: nonsense.
Genome position (GRCh38, 1-based): chr13:32,332,697, C>T. VCF-style: chr13-32332697-C-T. GRCh37 (hg19) VCF-style: chr13-32906834-C-T.
Other names: short protein forms Q407*.
Identifiers: ClinVar variation 462226 (VCV000462226.20), dbSNP rs781079248, ClinGen allele CA387762117.
Genomic context (GRCh38, chr13:32,332,697, plus strand): 5'-GTTGTACCGTCTTTGGCCTGTGAATGGTCTCAACTAACCCTTTCAGGTCTAAATGGAGCC[C>T]AGATGGAGAAAATACCCCTATTGCATATTTCTTCATGTGACCAAAATATTTCAGAAAAAG-3'

ClinVar aggregate classification (germline): Pathogenic/Likely pathogenic. Review status: criteria provided, multiple submitters, no conflicts (2 of 4 stars). 5 submissions from 5 submitters: Pathogenic (4); Likely pathogenic (1). Last evaluated 2025-08-15.

Conditions:
Hereditary breast ovarian cancer syndrome. Also called: Hereditary breast and ovarian cancer syndrome (HBOC); Hereditary breast and ovarian cancer syndrome; Breast and ovarian cancer; Hereditary breast and/or ovarian cancer syndrome; Hereditary breast and ovarian cancer; BRCA1- and BRCA2-Associated Hereditary Breast and Ovarian Cancer. Identifiers: Orphanet 145, MedGen C0677776, MeSH D061325, MONDO:0003582. Disease mechanism: loss of function.
Hereditary cancer-predisposing syndrome. Also called: Neoplastic Syndromes, Hereditary; Hereditary Cancer Syndrome; Hereditary neoplastic syndrome; Tumor predisposition. Identifiers: Orphanet 140162, MedGen C0027672, MeSH D009386, MONDO:0015356.

Submissions (5):

Labcorp Genetics (formerly Invitae), Labcorp
Classification: Pathogenic for Hereditary breast ovarian cancer syndrome. Last evaluated: 2025-08-15. Review status: criteria provided, single submitter. Criteria: Invitae Variant Classification Sherloc (09022015). Collection method: clinical testing. Allele origin: germline.
Comment: This sequence change creates a premature translational stop signal (p.Gln407*) in the BRCA2 gene. It is expected to result in an absent or disrupted protein product. Loss-of-function variants in BRCA2 are known to be pathogenic (PMID: 20104584). This variant is not present in population databases (gnomAD no frequency). This variant has not been reported in the literature in individuals affected with BRCA2-related conditions. ClinVar contains an entry for this variant (Variation ID: 462226). For these reasons, this variant has been classified as Pathogenic.

Ambry Genetics
Classification: Pathogenic for Hereditary cancer-predisposing syndrome. Last evaluated: 2022-04-04. Review status: criteria provided, single submitter. Criteria: Ambry Variant Classification Scheme 2023. Collection method: clinical testing. Allele origin: germline.
Comment: The p.Q407* pathogenic mutation (also known as c.1219C>T), located in coding exon 9 of the BRCA2 gene, results from a C to T substitution at nucleotide position 1219. This changes the amino acid from a glutamine to a stop codon within coding exon 9. This variant is considered to be rare based on population cohorts in the Genome Aggregation Database (gnomAD). This alteration is expected to result in loss of function by premature protein truncation or nonsense-mediated mRNA decay. As such, this alteration is interpreted as a disease-causing mutation.

Women's Health and Genetics/Laboratory Corporation of America, LabCorp
Classification: Likely pathogenic for Hereditary breast ovarian cancer syndrome. Last evaluated: 2021-03-22. Review status: criteria provided, single submitter. Criteria: LabCorp Variant Classification Summary - May 2015. Collection method: clinical testing. Allele origin: germline.
Comment: Variant summary: BRCA2 c.1219C>T (p.Gln407X) results in a premature termination codon, predicted to cause a truncation of the encoded protein or absence of the protein due to nonsense mediated decay, which are commonly known mechanisms for disease. Truncations downstream of this position have been classified as pathogenic by our laboratory. The variant was absent in 250212 control chromosomes (gnomAD). To our knowledge, no occurrence of c.1219C>T in individuals affected with Hereditary Breast and Ovarian Cancer Syndrome and no experimental evidence demonstrating its impact on protein function have been reported. Three clinical diagnostic laboratories have submitted clinical-significance assessments for this variant to ClinVar after 2014 without evidence for independent evaluation. All laboratories classified the variant as pathogenic/likely pathogenic. Based on the evidence outlined above, the variant was classified as likely pathogenic.

Color Diagnostics, LLC DBA Color Health
Classification: Pathogenic for Hereditary cancer-predisposing syndrome. Last evaluated: 2020-01-15. Review status: criteria provided, single submitter. Criteria: ACMG Guidelines, 2015. Collection method: clinical testing. Allele origin: germline.
Comment: This variant changes 1 nucleotide in exon 10 of the BRCA2 gene, creating a premature translation stop signal. This variant is expected to result in an absent or non-functional protein product. This variant has not been identified in the general population by the Genome Aggregation Database (gnomAD). Loss of BRCA2 function is a known mechanism of disease. Based on the available evidence, this variant is classified as Pathogenic.

Revvity Omics, Revvity
Classification: Pathogenic. Last evaluated: 2019-05-28. Review status: criteria provided, single submitter. Criteria: ACMG Guidelines, 2015. Collection method: clinical testing. Allele origin: germline.

Literature cited by the submitters: PubMed 20104584 (cited by Labcorp Genetics (formerly Invitae), Labcorp).